The following is an entry in ClinVar:

NM_001184880.2(PCDH19):c.2558dup (p.Asn854fs)

Genes: PCDH19 (protocadherin 19; minus strand), LOC125467768 (CDK7 strongly-dependent group 2 enhancer GRCh37_chrX:99657381-99658580; plus strand). Cytogenetic location: Xq22.1.
Variant type: Duplication.
Coding change: c.2558dup on transcript NM_001184880.2 (MANE Select); coding-DNA position 2558, one base duplicated (T; older notation c.2558dupT).
Protein change: p.Asn854fs; shifts the reading frame from asparagine 854.
Molecular consequence: frameshift variant.
Genome position (GRCh38, 1-based): chrX:100,402,582, A duplicated on the plus strand (T on the coding strand, the reverse complement: PCDH19 is on the minus strand); the first of 3 consecutive A bases (chrX:100,402,582-100,402,584); duplicating any one gives the same sequence. VCF-style (leftmost placement, unchanged base first): chrX-100402581-G-GA. GRCh37 (hg19) VCF-style: chrX-99657579-G-GA.
Other names: c.2417dup, p.Asn807fs (NM_001105243.2, NM_020766.3); short protein forms N807fs, N854fs.
Identifiers: ClinVar variation 5019785 (VCV005019785.1).

ClinVar aggregate classification (germline): Pathogenic (1 of 4 stars; one submission).

Conditions:
Developmental and epileptic encephalopathy, 9 (DEE9). Also called: EPILEPSY, FEMALE-RESTRICTED, WITH MENTAL RETARDATION; Early infantile epileptic encephalopathy 9; JUBERG-HELLMAN SYNDROME; PCDH19-Related X-Linked Female-Limited Epilepsy with Mental Retardation. Identifiers: Orphanet 101039, Orphanet 2076, MedGen C1848137, MONDO:0010246, OMIM 300088. Disease mechanism: loss of function.

Submission:

Juno Genomics, Hangzhou Juno Genomics, Inc
Classification: Pathogenic for Developmental and epileptic encephalopathy, 9. Review status: criteria provided, single submitter. Criteria: ACMG Guidelines, 2015. Collection method: clinical testing. Allele origin: germline. Affected: yes.
Comment: Absent from controls (or at extremely low frequency if recessive) in Genome Aggregation Database.;Null variant in a gene where loss of function (LOF) is a known mechanism of disease.;Patient's phenotype or family history is highly specific for a disease with a single genetic etiology.